The following is an entry in ClinVar:

ClinVar aggregate classification (germline): Uncertain significance (1 of 4 stars; one submission).

Conditions:
Focal segmental glomerulosclerosis 5 (FSGS5). Identifiers: Orphanet 656, MedGen C2750475, MONDO:0013191, OMIM 613237.
Charcot-Marie-Tooth disease dominant intermediate E. Also called: CHARCOT-MARIE-TOOTH NEUROPATHY WITH FOCAL SEGMENTAL GLOMERULONEPHRITIS. Identifiers: Orphanet 93114, MedGen C4302667, MONDO:0013758, OMIM 614455.

Allele frequency attached by ClinVar (database versions not stated): gnomAD exomes below 0.00001 and 0.00001.
gnomAD v4.1: 19 of 1,608,562 alleles (0.0012%); highest among the groups gnomAD compares: Non-Finnish European, 0.0016%; no homozygotes.

Submission:

Labcorp Genetics (formerly Invitae), Labcorp
Classification: Uncertain significance for Charcot-Marie-Tooth disease dominant intermediate E; Focal segmental glomerulosclerosis 5. Last evaluated: 2021-02-15. Review status: criteria provided, single submitter. Criteria: Invitae Variant Classification Sherloc (09022015). Collection method: clinical testing. Allele origin: germline.
Comment: In summary, this variant has uncertain impact on INF2 function. The available evidence is currently insufficient to determine its role in disease. Therefore, it has been classified as a Variant of Uncertain Significance. Nucleotide substitutions within the consensus splice site are relatively common causes of aberrant splicing (PMID: 17576681, 9536098). Algorithms developed to predict the effect of sequence changes on RNA splicing suggest that this variant may disrupt the consensus splice site, but this prediction has not been confirmed by published transcriptional studies. This variant has not been reported in the literature in individuals with an INF2-related disease. This variant is not present in population databases (ExAC no frequency). This sequence change falls in intron 11 of the INF2 gene. It does not directly change the encoded amino acid sequence of the INF2 protein, but it affects a nucleotide within the consensus splice site of the intron.

Literature cited by the submitters: PubMed 17576681; PubMed 9536098.

NM_022489.4(INF2):c.2052+3A>G

Gene: INF2 (inverted formin 2; plus strand). Cytogenetic location: 14q32.33.
Variant type: single nucleotide variant.
Coding change: c.2052+3A>G on transcript NM_022489.4 (MANE Select); 3 bases into the intron after coding-DNA position 2052, A replaced by G.
Molecular consequence: intron variant.
Genome position (GRCh38, 1-based): chr14:104,709,386, A>G. VCF-style: chr14-104709386-A-G. GRCh37 (hg19) VCF-style: chr14-105175723-A-G.
Other names: c.2052+3A>G (NM_001031714.4).
Identifiers: ClinVar variation 472841 (VCV000472841.6), dbSNP rs1382855956, ClinGen allele CA616584834.